The following is an entry in ClinVar:

ClinVar aggregate classification (germline): Pathogenic (1 of 4 stars; one submission).

Conditions:
Hereditary cancer-predisposing syndrome. Also called: Hereditary Cancer Syndrome; Hereditary neoplastic syndrome; Tumor predisposition; Neoplastic Syndromes, Hereditary. Identifiers: Orphanet 140162, MedGen C0027672, MeSH D009386, MONDO:0015356.

Submission:

Ambry Genetics
Classification: Pathogenic for Hereditary cancer-predisposing syndrome. Last evaluated: 2020-03-11. Review status: criteria provided, single submitter. Criteria: Ambry Variant Classification Scheme 2023. Collection method: clinical testing. Allele origin: germline.
Comment: The c.2276_2303del28 pathogenic mutation, located in coding exon 16 of the TSC1 gene, results from a deletion of 28 nucleotides at nucleotide positions 2276 to 2303, causing a translational frameshift with a predicted alternate stop codon (p.A759Vfs*5). This alteration is expected to result in loss of function by premature protein truncation or nonsense-mediated mRNA decay. As such, this alteration is interpreted as a disease-causing mutation.

NM_000368.5(TSC1):c.2276_2303del (p.Ala759fs)

Gene: TSC1 (TSC complex subunit 1; minus strand). Cytogenetic location: 9q34.13.
Variant type: Deletion.
Coding change: c.2276_2303del on transcript NM_000368.5 (MANE Select); coding-DNA positions 2276 to 2303, 28 bases deleted (CTAGATACAATCAGCTCCAGGAGCAGCG).
Protein change: p.Ala759fs; shifts the reading frame from alanine 759.
Molecular consequence: frameshift variant.
Genome position (GRCh38, 1-based): chr9:132,902,693-132,902,720, CGCTGCTCCTGGAGCTGATTGTATCTAG deleted on the plus strand (CTAGATACAATCAGCTCCAGGAGCAGCG on the coding strand, the reverse complement: TSC1 is on the minus strand); deleting any 28 consecutive bases within chr9:132,902,693-132,902,721 gives the same sequence; the c. name uses the placement nearest the transcript's 3' end. VCF-style (leftmost placement, unchanged base first): chr9-132902692-ACGCTGCTCCTGGAGCTGATTGTATCTAG-A. GRCh37 (hg19) VCF-style: chr9-135778079-ACGCTGCTCCTGGAGCTGATTGTATCTAG-A.
Other names: c.2273_2300del, p.Ala758fs (NM_001162426.2); c.2123_2150del, p.Ala708fs (NM_001162427.2); c.1913_1940del, p.Ala638fs (NM_001362177.2); c.2275_2302del28, p.Ala759Valfs (NM_001406592.1, NM_001406593.1, NM_001406594.1 and 5 more transcripts); c.2272_2299del28, p.Ala758Valfs (NM_001406597.1, NM_001406598.1, NM_001406599.1 and 3 more transcripts); c.2260_2287del28, p.Ala754Valfs (NM_001406601.1, NM_001406602.1); c.2257_2284del28, p.Ala753Valfs (NM_001406603.1, NM_001406604.1); c.2122_2149del28, p.Ala708Valfs (NM_001406610.1); and 7 more; short protein forms A638fs, A758fs, A708fs, A759fs.
Identifiers: ClinVar variation 1788856 (VCV001788856.2), dbSNP rs2538616111, ClinGen allele CA2580080142.
Genomic context (GRCh38, chr9:132,902,692, plus strand): 5'-TTCCTCTCGGTCATGCTGCAGCTGTCTGATCTGGCTGTGGAGCTTGGTTACCATAGTGTC[ACGCTGCTCCTGGAGCTGATTGTATCTAG>A]CTTGTTCTTTCTGCAGACTAACCTTCCACATCTGGATGTCCTTCTCTTGTAACTTCAACT-3'